The following is an entry in ClinVar:

NM_053013.4(ENO3):c.404C>T (p.Ala135Val)

Gene: ENO3 (enolase 3; plus strand). Cytogenetic location: 17p13.2.
Variant type: single nucleotide variant.
Coding change: c.404C>T on transcript NM_053013.4 (MANE Select); coding-DNA position 404, C replaced by T.
Protein change: p.Ala135Val; replaces alanine 135 with valine.
Molecular consequence: missense variant.
Genome position (GRCh38, 1-based): chr17:4,953,805, C>T. VCF-style: chr17-4953805-C-T. GRCh37 (hg19) VCF-style: chr17-4857100-C-T.
Other names: c.275C>T, p.Ala92Val (NM_001193503.2); c.404C>T, p.Ala135Val (NM_001374523.1, NM_001976.5); c.431C>T, p.Ala144Val (NM_001374524.1); short protein forms A135V, A144V, A92V.
Identifiers: ClinVar variation 1716683 (VCV001716683.5), dbSNP rs1490782836, ClinGen allele CA397287196.

ClinVar aggregate classification (germline): Uncertain significance (1 of 4 stars; one submission).

Conditions:
Glycogen storage disease due to muscle beta-enolase deficiency (GSD13). Also called: ENOLASE 3 DEFICIENCY; ENOLASE-BETA DEFICIENCY; GSD XIII; Glycogen Storage Disease Type XIII. Identifiers: Orphanet 99849, MedGen C2752027, MONDO:0013046, OMIM 612932.

Allele frequency attached by ClinVar (database versions not stated): gnomAD exomes below 0.00001; gnomAD 0.00001; TOPMed 0.00001.
gnomAD v4.1: 3 of 1,614,096 alleles (0.00019%); highest among the groups gnomAD compares: Non-Finnish European, 0.00025%; no homozygotes.

Submission:

Labcorp Genetics (formerly Invitae), Labcorp
Classification: Uncertain significance for Glycogen storage disease due to muscle beta-enolase deficiency. Last evaluated: 2022-08-18. Review status: criteria provided, single submitter. Criteria: Invitae Variant Classification Sherloc (09022015). Collection method: clinical testing. Allele origin: germline.
Comment: This sequence change replaces alanine, which is neutral and non-polar, with valine, which is neutral and non-polar, at codon 135 of the ENO3 protein (p.Ala135Val). This variant is present in population databases (no rsID available, gnomAD 0.0009%). This variant has not been reported in the literature in individuals affected with ENO3-related conditions. Algorithms developed to predict the effect of missense changes on protein structure and function (SIFT, PolyPhen-2, Align-GVGD) all suggest that this variant is likely to be disruptive. In summary, the available evidence is currently insufficient to determine the role of this variant in disease. Therefore, it has been classified as a Variant of Uncertain Significance.